The following is an entry in ClinVar:

ClinVar aggregate classification (germline): Benign. Review status: criteria provided, multiple submitters, no conflicts (2 of 4 stars). 7 submissions from 7 submitters: Benign (6). 1 of the submissions does not count toward it. Last evaluated 2026-02-03.

Conditions:
Kabuki syndrome. Also called: NIIKAWA-KUROKI SYNDROME; Kabuki make-up syndrome. Identifiers: Orphanet 2322, MedGen C0796004, MONDO:0016512.
Kabuki syndrome 1 (KABUK1). Also called: KMT2D-Related Kabuki Syndrome. Identifiers: Orphanet 2322, MedGen CN030661, MONDO:0007843, OMIM 147920.

Allele frequency attached by ClinVar (database versions not stated): gnomAD exomes 0.00134 and 0.00315; ExAC 0.00507; ESP Exome Variant Server 0.01391; gnomAD 0.01412 and 0.01486; TOPMed 0.01561; 1000 Genomes Project 0.01917; 1000 Genomes Project 30x 0.02077.
gnomAD v4.1: 4,090 of 1,551,702 alleles (0.26%); highest among the groups gnomAD compares: African/African-American, 4.9%; 107 homozygotes.

Submissions (7):

Labcorp Genetics (formerly Invitae), Labcorp
Classification: Benign for Kabuki syndrome. Last evaluated: 2026-02-03. Review status: criteria provided, single submitter. Criteria: Invitae Variant Classification Sherloc (09022015). Collection method: clinical testing. Allele origin: germline.

GeneDx
Classification: Benign. Last evaluated: 2018-11-07. Review status: criteria provided, single submitter. Criteria: GeneDx Variant Classification Process June 2021. Collection method: clinical testing. Allele origin: germline. Affected: yes.

ARUP Laboratories, Molecular Genetics and Genomics, ARUP Laboratories
Classification: Benign for Kabuki syndrome 1. Last evaluated: 2018-09-20. Review status: criteria provided, single submitter. Criteria: ARUP Molecular Germline Variant Investigation Process. Collection method: clinical testing. Allele origin: germline.

Eurofins Ntd Llc (ga)
Classification: Benign. Last evaluated: 2015-07-28. Review status: criteria provided, single submitter. Criteria: EGL Classification Definitions 2015. Collection method: clinical testing. Allele origin: germline. Observed: 7 variant alleles, 7 heterozygotes.

Genetic Services Laboratory, University of Chicago
Classification: Benign. Last evaluated: 2013-02-08. Review status: criteria provided, single submitter. Criteria: ACMG Guidelines, 2007. Collection method: clinical testing. Allele origin: germline. Inheritance: Autosomal dominant inheritance.

Breakthrough Genomics
Classification: Benign. Review status: criteria provided, single submitter. Criteria: ACMG Guidelines, 2015. Collection method: not provided. Allele origin: germline. Inheritance: Autosomal dominant inheritance. Affected: yes.

ITMI
No classification provided. Condition: AllHighlyPenetrant. Last evaluated: 2013-09-19. Review status: no classification provided. Collection method: reference population. Allele origin: germline. Not counted in ClinVar's aggregate classification.
Comment: Please see associated publication for description of ethnicities

Literature cited by the submitters: PubMed 24728327 (cited by ITMI).

NM_003482.4(KMT2D):c.11610G>A (p.Met3870Ile)

Gene: KMT2D (lysine methyltransferase 2D; minus strand). Cytogenetic location: 12q13.12.
Variant type: single nucleotide variant.
Coding change: c.11610G>A on transcript NM_003482.4 (MANE Select); coding-DNA position 11610, G replaced by A.
Protein change: p.Met3870Ile; replaces methionine 3870 with isoleucine.
Molecular consequence: missense variant.
Genome position (GRCh38, 1-based): chr12:49,033,095, C>T on the plus strand (G>A on the coding strand, the complement: KMT2D is on the minus strand). VCF-style: chr12-49033095-C-T. GRCh37 (hg19) VCF-style: chr12-49426878-C-T.
Other names: short protein forms M3870I.
Identifiers: ClinVar variation 134717 (VCV000134717.30), dbSNP rs73302195, ClinGen allele CA160605.
Genomic context (GRCh38, chr12:49,033,095, plus strand): 5'-GCTCAGTTTGGGCTGCCCACTGTGTGACATCAGACTCTGCTGAAGATGGGACAGCCCTGC[C>T]ATGGACCCTTGCTGTTGGTGCTGTTGTTGCTGCTGCTGCTGCTGGGCTGTGACCAGCCTG-3'
Protein context (NP_003473.3, residues 3860-3880): QQQQHQQQGS[Met3870Ile]AGLSHLQQSL